The following is an entry in ClinVar:

ClinVar aggregate classification (germline): Uncertain significance (1 of 4 stars; one submission).

Submission:

GeneDx
Classification: Uncertain significance. Last evaluated: 2025-06-24. Review status: criteria provided, single submitter. Criteria: GeneDx Variant Classification Process June 2021. Collection method: clinical testing. Allele origin: germline. Affected: yes.
Comment: Not observed at significant frequency in large population cohorts (gnomAD); In silico analysis supports that this missense variant has a deleterious effect on protein structure/function; Has not been previously published as pathogenic or benign to our knowledge

NM_173076.3(ABCA12):c.4115A>T (p.His1372Leu)

Gene: ABCA12 (ATP binding cassette subfamily A member 12; minus strand). Cytogenetic location: 2q35.
Variant type: single nucleotide variant.
Coding change: c.4115A>T on transcript NM_173076.3 (MANE Select); coding-DNA position 4115, A replaced by T.
Protein change: p.His1372Leu; replaces histidine 1372 with leucine.
Molecular consequence: missense variant. On other transcripts: non-coding transcript variant (1).
Genome position (GRCh38, 1-based): chr2:214,986,590, T>A on the plus strand (A>T on the coding strand, the complement: ABCA12 is on the minus strand). VCF-style: chr2-214986590-T-A. GRCh37 (hg19) VCF-style: chr2-215851314-T-A.
Other names: c.3161A>T, p.His1054Leu (NM_015657.4); short protein forms H1054L, H1372L.
Identifiers: ClinVar variation 4680928 (VCV004680928.1).
Genomic context (GRCh38, chr2:214,986,590, plus strand): 5'-AAGTTAACATACATGGTAGTAGTTTTCCCAGCTCCATTGGGCCCCAGCAATGAAGTAATA[T>A]GCCCTTCATAAAAGTTCAGATTGAGGTTATCAACAGCAACTTTTGAGCCATAGATCTTTG-3'
Protein context (NP_775099.2, residues 1362-1382): DNLNLNFYEG[His1372Leu]ITSLLGPNGA